The following is an entry in ClinVar:

ClinVar aggregate classification (germline): Likely pathogenic. Review status: criteria provided, multiple submitters, no conflicts (2 of 4 stars). 3 submissions from 3 submitters: Likely pathogenic (3). Last evaluated 2025-12-23.

Conditions:
Nemaline myopathy 2 (NEM2). Also called: Nemaline myopathy 2, autosomal recessive. Identifiers: MedGen C1850569, MONDO:0009725, OMIM 256030.
Arthrogryposis multiplex congenita 6. Identifiers: MedGen C5543431, MONDO:0030281, OMIM 619334.

Submissions (3):

Natera, Inc.
Classification: Likely pathogenic for Nemaline myopathy type 2. Last evaluated: 2025-12-23. Review status: criteria provided, single submitter. Criteria: Natera Variant Classification Schema (03/2026). Collection method: clinical testing. Allele origin: germline.
Comment: The c.7519_7520del variant in NEB is a frameshift variant predicted to shift the reading frame beginning at codon 2507 and leads to a stop codon 5 codons downstream. This variant is expected to result in nonsense mediated decay, truncation, or a dysfunctional protein product. This variant is rare in the general population with a frequency below the threshold expected for the associated phenotype(s). Given the available evidence, this variant is classified as Likely Pathogenic.

Revvity Omics, Revvity
Classification: Likely pathogenic. Last evaluated: 2022-08-02. Review status: criteria provided, single submitter. Criteria: ACMG Guidelines, 2015. Collection method: clinical testing. Allele origin: germline.

Suma Genomics
Classification: Likely pathogenic for Arthrogryposis multiplex congenita 6. Review status: criteria provided, single submitter. Criteria: ACMG Guidelines, 2015. Collection method: clinical testing. Allele origin: germline. Inheritance: Autosomal recessive inheritance. Affected: yes. Observed: 1 homozygote.
Comment: A frameshift variant c.7519_7520del, p.(Leu2507AsnfsTer5) is observed in exon 55 of NEB in homozygous state. This variant is not observed in the gnomAD database. This variant was reported earlier in the ClinVar database as likely pathogenic (ClinVar id. 2432129). ACMG criteria: PVS1 and PM2_Supporting

NM_001164508.2(NEB):c.7519_7520del (p.Leu2507fs)

Gene: NEB (nebulin; minus strand). Cytogenetic location: 2q23.3.
Variant type: Deletion.
Coding change: c.7519_7520del on transcript NM_001164508.2 (MANE Select); coding-DNA positions 7519 to 7520, 2 bases deleted (TT; older notation c.7519_7520delTT).
Protein change: p.Leu2507fs; shifts the reading frame from leucine 2507.
Molecular consequence: frameshift variant.
Genome position (GRCh38, 1-based): chr2:151,646,146-151,646,147, AA deleted on the plus strand (TT on the coding strand, the reverse complement: NEB is on the minus strand). VCF-style (leftmost placement, unchanged base first): chr2-151646145-TAA-T. GRCh37 (hg19) VCF-style: chr2-152502659-TAA-T.
Other names: c.7519_7520del (NM_001271208.1); c.7519_7520del, p.Leu2507fs (NM_001164507.2, NM_001271208.2, NM_004543.5); short protein forms L2507fs.
Identifiers: ClinVar variation 2432129 (VCV002432129.5), dbSNP rs2552248320, ClinGen allele CA2580064072.